The following is an entry in ClinVar:

ClinVar aggregate classification (germline): Uncertain significance. Review status: criteria provided, multiple submitters, no conflicts (2 of 4 stars). 3 submissions from 3 submitters: Uncertain significance (3). Last evaluated 2025-02-27.

Conditions:
A2ML1-related disorder. Also called: A2ML1-related condition.

Allele frequency attached by ClinVar (database versions not stated): gnomAD exomes below 0.00001 and 0.00002; TOPMed below 0.00001.
gnomAD v4.1: 33 of 1,613,750 alleles (0.002%); highest among the groups gnomAD compares: Non-Finnish European, 0.0028%; no homozygotes.

Submissions (3):

PreventionGenetics, part of Exact Sciences
Classification: Uncertain significance for A2ML1-related condition. Last evaluated: 2025-02-27. Review status: criteria provided, single submitter. Criteria: ACMG Guidelines, 2015. Collection method: clinical testing. Allele origin: germline.
Comment: The A2ML1 c.4074C>G variant is predicted to result in the amino acid substitution p.Ser1358Arg. To our knowledge, this variant has not been reported in the literature. This variant is reported in 0.00088% of alleles in individuals of European (Non-Finnish) descent in gnomAD. At this time, the clinical significance of this variant is uncertain due to the absence of conclusive functional and genetic evidence.

Ambry Genetics
Classification: Uncertain significance. Last evaluated: 2024-10-07. Review status: criteria provided, single submitter. Criteria: Ambry Variant Classification Scheme 2023. Collection method: clinical testing. Allele origin: germline.
Comment: The p.S1358R variant (also known as c.4074C>G), located in coding exon 32 of the A2ML1 gene, results from a C to G substitution at nucleotide position 4074. The serine at codon 1358 is replaced by arginine, an amino acid with dissimilar properties. This amino acid position is conserved. In addition, this alteration is predicted to be tolerated by in silico analysis. Since supporting evidence is limited at this time, the clinical significance of this alteration remains unclear.

Labcorp Genetics (formerly Invitae), Labcorp
Classification: Uncertain significance. Last evaluated: 2023-11-17. Review status: criteria provided, single submitter. Criteria: Invitae Variant Classification Sherloc (09022015). Collection method: clinical testing. Allele origin: germline.
Comment: This sequence change replaces serine, which is neutral and polar, with arginine, which is basic and polar, at codon 1358 of the A2ML1 protein (p.Ser1358Arg). This variant is present in population databases (no rsID available, gnomAD 0.0009%). This variant has not been reported in the literature in individuals affected with A2ML1-related conditions. ClinVar contains an entry for this variant (Variation ID: 1404413). An algorithm developed to predict the effect of missense changes on protein structure and function (PolyPhen-2) suggests that this variant is likely to be tolerated. In summary, the available evidence is currently insufficient to determine the role of this variant in disease. Therefore, it has been classified as a Variant of Uncertain Significance.

NM_144670.6(A2ML1):c.4074C>G (p.Ser1358Arg)

Gene: A2ML1 (alpha-2-macroglobulin like 1; plus strand). Cytogenetic location: 12p13.31.
Variant type: single nucleotide variant.
Coding change: c.4074C>G on transcript NM_144670.6 (MANE Select); coding-DNA position 4074, C replaced by G.
Protein change: p.Ser1358Arg; replaces serine 1358 with arginine.
Molecular consequence: missense variant.
Genome position (GRCh38, 1-based): chr12:8,868,549, C>G. VCF-style: chr12-8868549-C-G. GRCh37 (hg19) VCF-style: chr12-9021145-C-G.
Other names: c.4074C>G (NM_144670.5); c.2601C>G, p.Ser867Arg (NM_001282424.3); short protein forms S1358R, S867R.
Identifiers: ClinVar variation 1404413 (VCV001404413.12), dbSNP rs1229057255, ClinGen allele CA383812862.